The following is an entry in ClinVar:

ClinVar aggregate classification (germline): Uncertain significance (1 of 4 stars; one submission).

Conditions:
Optic atrophy 3 (OPA3). Also called: OPTIC ATROPHY 3, AUTOSOMAL DOMINANT; Optic atrophy 3 with cataract; Optic atrophy, cataract, and neurologic disorder. Identifiers: Orphanet 67036, MedGen C1833809, MONDO:0008133, OMIM 165300.
3-Methylglutaconic aciduria type 3 (MGCA3). Also called: Costeff Syndrome; OPA3, AUTOSOMAL RECESSIVE; OPTIC ATROPHY 3, AUTOSOMAL RECESSIVE; OPA3-Related 3-Methylglutaconic Aciduria. Identifiers: Orphanet 67047, MedGen C0574084, MONDO:0009787, OMIM 258501.

Submission:

Labcorp Genetics (formerly Invitae), Labcorp
Classification: Uncertain significance for 3-Methylglutaconic aciduria type 3; Optic atrophy 3. Last evaluated: 2022-09-09. Review status: criteria provided, single submitter. Criteria: Invitae Variant Classification Sherloc (09022015). Collection method: clinical testing. Allele origin: germline.
Comment: In summary, the available evidence is currently insufficient to determine the role of this variant in disease. Therefore, it has been classified as a Variant of Uncertain Significance. Algorithms developed to predict the effect of missense changes on protein structure and function (SIFT, PolyPhen-2, Align-GVGD) all suggest that this variant is likely to be disruptive. This variant has not been reported in the literature in individuals affected with OPA3-related conditions. This variant is not present in population databases (gnomAD no frequency). This sequence change replaces leucine, which is neutral and non-polar, with proline, which is neutral and non-polar, at codon 71 of the OPA3 protein (p.Leu71Pro).

NM_025136.4(OPA3):c.212T>C (p.Leu71Pro)

Genes: OPA3 (outer mitochondrial membrane lipid metabolism regulator OPA3; minus strand), OPA3-RTN2 (OPA3-RTN2 readthrough; minus strand). Cytogenetic location: 19q13.32.
Variant type: single nucleotide variant.
Coding change: c.212T>C on transcript NM_025136.4 (MANE Select); coding-DNA position 212, T replaced by C.
Protein change: p.Leu71Pro; replaces leucine 71 with proline.
Molecular consequence: missense variant. On other transcripts: intron variant (1).
Genome position (GRCh38, 1-based): chr19:45,553,842, A>G on the plus strand (T>C on the coding strand, the complement: OPA3 is on the minus strand). VCF-style: chr19-45553842-A-G. GRCh37 (hg19) VCF-style: chr19-46057100-A-G.
Other names: c.143-24386T>C (NM_001017989.3); short protein forms L71P.
Identifiers: ClinVar variation 1719130 (VCV001719130.5), dbSNP rs2513824588, ClinGen allele CA406371242.
Genomic context (GRCh38, chr19:45,553,842, plus strand): 5'-ATGAAGATGGTGGCTTCGCCCAGCAGCTCTGCGCCCAGCTCAGCTGCCGCCTCCTCGTTC[A>G]GCGGCTTGATGACCGTGCCCCGGAAGCCCATGATGCGCATCTTGGTCCGCATCTCCACCC-3'
Protein context (NP_079412.1, residues 61-81): MGFRGTVIKP[Leu71Pro]NEEAAAELGA